The following is an entry in ClinVar:

ClinVar aggregate classification (germline): Uncertain significance (1 of 4 stars; one submission).

Allele frequency attached by ClinVar (database versions not stated): gnomAD exomes below 0.00001; ExAC 0.00001.
gnomAD v4.1: 2 of 1,614,196 alleles (0.00012%); highest among the groups gnomAD compares: Admixed American, 0.0017%; no homozygotes.

Submission:

GeneDx
Classification: Uncertain significance. Last evaluated: 2021-04-21. Review status: criteria provided, single submitter. Criteria: GeneDx Variant Classification Process June 2021. Collection method: clinical testing. Allele origin: germline. Affected: yes.
Comment: Not observed at a significant frequency in large population cohorts (Lek et al., 2016); In silico analysis supports that this missense variant does not alter protein structure/function; Has not been previously published as pathogenic or benign to our knowledge

NM_001378120.1(MBD5):c.4864G>A (p.Val1622Ile)

Gene: MBD5 (methyl-CpG binding domain protein 5; plus strand). Cytogenetic location: 2q23.1.
Variant type: single nucleotide variant.
Coding change: c.4864G>A on transcript NM_001378120.1 (MANE Select); coding-DNA position 4864, G replaced by A.
Protein change: p.Val1622Ile; replaces valine 1622 with isoleucine.
Molecular consequence: missense variant.
Genome position (GRCh38, 1-based): chr2:148,490,496, G>A. VCF-style: chr2-148490496-G-A. GRCh37 (hg19) VCF-style: chr2-149248065-G-A.
Other names: c.4165G>A, p.Val1389Ile (NM_018328.5); short protein forms V1389I, V1622I.
Identifiers: ClinVar variation 1314769 (VCV001314769.2), dbSNP rs758218596, ClinGen allele CA1900479.